The following is an entry in ClinVar:

ClinVar aggregate classification (germline): Uncertain significance. Review status: criteria provided, multiple submitters, no conflicts (2 of 4 stars). 2 submissions from 2 submitters: Uncertain significance (2). Last evaluated 2022-09-01.

Conditions:
Inborn genetic diseases. Identifiers: MedGen C0950123, MeSH D030342.
Propionic acidemia (PROP). Also called: HYPERGLYCINEMIA WITH KETOACIDOSIS AND LEUKOPENIA; KETOTIC HYPERGLYCINEMIA; GLYCINEMIA, KETOTIC. Identifiers: Orphanet 35, MedGen C0268579, MONDO:0011628, OMIM 606054, HP:0003571.

Allele frequency attached by ClinVar (database versions not stated): gnomAD exomes 0.00002 and 0.00007; gnomAD 0.00003; ExAC 0.00007; 1000 Genomes Project 30x 0.00016; 1000 Genomes Project 0.00020.
gnomAD v4.1: 33 of 1,609,668 alleles (0.0021%); highest among the groups gnomAD compares: Admixed American, 0.023%; no homozygotes.

Submissions (2):

Labcorp Genetics (formerly Invitae), Labcorp
Classification: Uncertain significance for Propionic acidemia. Last evaluated: 2022-09-01. Review status: criteria provided, single submitter. Criteria: Invitae Variant Classification Sherloc (09022015). Collection method: clinical testing. Allele origin: germline.
Comment: This sequence change replaces arginine, which is basic and polar, with glutamine, which is neutral and polar, at codon 486 of the PCCA protein (p.Arg486Gln). This variant is present in population databases (rs183239835, gnomAD 0.04%). This variant has not been reported in the literature in individuals affected with PCCA-related conditions. ClinVar contains an entry for this variant (Variation ID: 1359086). Advanced modeling of protein sequence and biophysical properties (such as structural, functional, and spatial information, amino acid conservation, physicochemical variation, residue mobility, and thermodynamic stability) performed at Invitae indicates that this missense variant is not expected to disrupt PCCA protein function. In summary, the available evidence is currently insufficient to determine the role of this variant in disease. Therefore, it has been classified as a Variant of Uncertain Significance.

Ambry Genetics
Classification: Uncertain significance for Inborn genetic diseases. Last evaluated: 2021-06-30. Review status: criteria provided, single submitter. Criteria: Ambry Variant Classification Scheme 2023. Collection method: clinical testing. Allele origin: germline.
Comment: The c.1457G>A (p.R486Q) alteration is located in exon 17 (coding exon 17) of the PCCA gene. This alteration results from a G to A substitution at nucleotide position 1457, causing the arginine (R) at amino acid position 486 to be replaced by a glutamine (Q). The p.R486Q alteration is predicted to be tolerated by in silico analysis. Based on insufficient or conflicting evidence, the clinical significance of this alteration remains unclear.

NM_000282.4(PCCA):c.1457G>A (p.Arg486Gln)

Gene: PCCA (propionyl-CoA carboxylase subunit alpha; plus strand). Cytogenetic location: 13q32.3.
Variant type: single nucleotide variant.
Coding change: c.1457G>A on transcript NM_000282.4 (MANE Select); coding-DNA position 1457, G replaced by A.
Protein change: p.Arg486Gln; replaces arginine 486 with glutamine.
Molecular consequence: missense variant. On other transcripts: non-coding transcript variant (5).
Genome position (GRCh38, 1-based): chr13:100,330,588, G>A. VCF-style: chr13-100330588-G-A. GRCh37 (hg19) VCF-style: chr13-100982842-G-A.
Other names: c.512G>A, p.Arg171Gln (NM_001352611.2, NM_001352610.2); c.368G>A, p.Arg123Gln (NM_001352612.2); c.1379G>A, p.Arg460Gln (NM_001127692.3, NM_001352607.2); c.1457G>A, p.Arg486Gln (NM_001178004.2, NM_001352605.2, NM_001352609.2); c.1313G>A, p.Arg438Gln (NM_001352606.2); c.1235G>A, p.Arg412Gln (NM_001352608.2); c.1457G>A (NM_000282.3); short protein forms R412Q, R438Q, R460Q, R123Q, R171Q, R486Q.
Identifiers: ClinVar variation 1359086 (VCV001359086.6), dbSNP rs183239835, ClinGen allele CA7033674.